The following is an entry in ClinVar:

NM_001267550.2(TTN):c.100568C>A (p.Pro33523Gln)

Genes: TTN (titin; minus strand), TTN-AS1 (TTN antisense RNA 1; plus strand). Cytogenetic location: 2q31.2.
Variant type: single nucleotide variant.
Coding change: c.100568C>A on transcript NM_001267550.2 (MANE Select); coding-DNA position 100568, C replaced by A.
Protein change: p.Pro33523Gln; replaces proline 33523 with glutamine.
Molecular consequence: missense variant.
Genome position (GRCh38, 1-based): chr2:178,536,179, G>T on the plus strand (C>A on the coding strand, the complement: TTN is on the minus strand). VCF-style: chr2-178536179-G-T. GRCh37 (hg19) VCF-style: chr2-179400906-G-T.
Other names: p.P31882Q:CCA>CAA; c.95645C>A, p.Pro31882Gln (NM_001256850.1); c.73373C>A, p.Pro24458Gln (NM_003319.4); c.92864C>A, p.Pro30955Gln (NM_133378.4); c.73748C>A, p.Pro24583Gln (NM_133432.3); c.73949C>A, p.Pro24650Gln (NM_133437.4); short protein forms P31882Q, P33523Q, P30955Q, P24650Q, P24458Q, P24583Q.
Identifiers: ClinVar variation 203059 (VCV000203059.2), dbSNP rs794729558, ClinGen allele CA311115.

ClinVar aggregate classification (germline): Uncertain significance (1 of 4 stars; one submission).

Allele frequency attached by ClinVar (database versions not stated): gnomAD exomes below 0.00001.
gnomAD v4.1: 2 of 1,613,490 alleles (0.00012%); highest among the groups gnomAD compares: Middle Eastern, 0.033%; no homozygotes.

Submission:

GeneDx
Classification: Uncertain significance. Last evaluated: 2013-06-07. Review status: criteria provided, single submitter. Criteria: GeneDx Variant Classification (06012015). Collection method: clinical testing. Allele origin: germline. Affected: yes.
Comment: Missense variants in the TTN gene are considered 'unclassified' if they are not previously reported in the literature and do not have >1% frequency in the population to be considered a polymorphism. Research indicates that truncating mutations in the TTN gene are expected to account for approximately 25% of familial and 18% of sporadic idiopathic DCM; however, truncating variants in the TTN gene have been reported in approximately 3% of reported control alleles. There has been little investigation into non-truncating variants. (Herman D et al. Truncations of titin causing dilated cardiomyopathy. N Eng J Med 366:619-628, 2012) The variant is found in DCM panel(s).